The following is an entry in ClinVar:

NM_001127222.2(CACNA1A):c.2563G>A (p.Glu855Lys)

Gene: CACNA1A (calcium voltage-gated channel subunit alpha1 A; minus strand). Cytogenetic location: 19p13.13.
Variant type: single nucleotide variant.
Coding change: c.2563G>A on transcript NM_001127222.2 (MANE Select); coding-DNA position 2563, G replaced by A.
Protein change: p.Glu855Lys; replaces glutamic acid 855 with lysine.
Molecular consequence: missense variant.
Genome position (GRCh38, 1-based): chr19:13,299,070, C>T on the plus strand (G>A on the coding strand, the complement: CACNA1A is on the minus strand). VCF-style: chr19-13299070-C-T. GRCh37 (hg19) VCF-style: chr19-13409884-C-T.
Other names: c.2575G>A, p.Glu859Lys (NM_000068.4, NM_023035.3); c.2566G>A, p.Glu856Lys (NM_001127221.2, NM_001174080.2); short protein forms E855K, E859K, E856K.
Identifiers: ClinVar variation 2083514 (VCV002083514.4), dbSNP rs780879206, ClinGen allele CA9240529.

ClinVar aggregate classification (germline): Uncertain significance (1 of 4 stars; one submission).

Conditions:
Episodic ataxia type 2 (EA2). Also called: ATAXIA, EPISODIC, WITH NYSTAGMUS; ATAXIA, FAMILIAL PAROXYSMAL; CEREBELLAR ATAXIA, PAROXYSMAL, ACETAZOLAMIDE-RESPONSIVE; CEREBELLOPATHY, HEREDITARY PAROXYSMAL; EPISODIC ATAXIA, NYSTAGMUS-ASSOCIATED; ACETAZOLAMIDE-RESPONSIVE HEREDITARY PAROXYSMAL CEREBELLAR ATAXIA. Identifiers: Orphanet 97, MedGen C1720416, MONDO:0007163, OMIM 108500.
Developmental and epileptic encephalopathy, 42 (DEE42A). Also called: Epileptic encephalopathy, early infantile, 42; DEVELOPMENTAL AND EPILEPTIC ENCEPHALOPATHY 42A; EPILEPTIC ENCEPHALOPATHY, EARLY INFANTILE, 42A. Identifiers: MedGen C4310716, MONDO:0014917, OMIM 617106.

Allele frequency attached by ClinVar (database versions not stated): gnomAD exomes below 0.00001; ExAC 0.00001; gnomAD 0.00001; TOPMed 0.00002.
gnomAD v4.1: 3 of 1,608,092 alleles (0.00019%); highest among the groups gnomAD compares: African/African-American, 0.004%; no homozygotes.

Submission:

Labcorp Genetics (formerly Invitae), Labcorp
Classification: Uncertain significance for Developmental and epileptic encephalopathy, 42; Episodic ataxia type 2. Last evaluated: 2025-02-20. Review status: criteria provided, single submitter. Criteria: Invitae Variant Classification Sherloc (09022015). Collection method: clinical testing. Allele origin: germline.
Comment: This sequence change replaces glutamic acid, which is acidic and polar, with lysine, which is basic and polar, at codon 856 of the CACNA1A protein (p.Glu856Lys). The frequency data for this variant in the population databases is considered unreliable, as metrics indicate poor data quality at this position in the gnomAD database. This variant has not been reported in the literature in individuals affected with CACNA1A-related conditions. ClinVar contains an entry for this variant (Variation ID: 2083514). Invitae Evidence Modeling of protein sequence and biophysical properties (such as structural, functional, and spatial information, amino acid conservation, physicochemical variation, residue mobility, and thermodynamic stability) indicates that this missense variant is not expected to disrupt CACNA1A protein function with a negative predictive value of 95%. In summary, the available evidence is currently insufficient to determine the role of this variant in disease. Therefore, it has been classified as a Variant of Uncertain Significance.